The following is an entry in ClinVar:

ClinVar aggregate classification (germline): Likely pathogenic (1 of 4 stars; one submission).

Conditions:
X-linked agammaglobulinemia with growth hormone deficiency (IGHD3). Also called: FLEISHER SYNDROME; HYPOGAMMAGLOBULINEMIA AND ISOLATED GROWTH HORMONE DEFICIENCY, X-LINKED; IGHD III; Isolated growth hormone deficiency type 3; Growth hormone deficiency with hypogammaglobulinemia; ISOLATED GROWTH HORMONE DEFICIENCY, TYPE III, WITH AGAMMAGLOBULINEMIA. Identifiers: Orphanet 231692, Orphanet 631, MedGen C0472813, MONDO:0010615, OMIM 307200.

Submission:

Labcorp Genetics (formerly Invitae), Labcorp
Classification: Likely pathogenic for X-linked agammaglobulinemia with growth hormone deficiency. Last evaluated: 2020-10-26. Review status: criteria provided, single submitter. Criteria: Invitae Variant Classification Sherloc (09022015). Collection method: clinical testing. Allele origin: germline.
Comment: This sequence change replaces aspartic acid with glutamic acid at codon 521 of the BTK protein (p.Asp521Glu). The aspartic acid residue is highly conserved and there is a small physicochemical difference between aspartic acid and glutamic acid. In summary, the currently available evidence indicates that the variant is pathogenic, but additional data are needed to prove that conclusively. Therefore, this variant has been classified as Likely Pathogenic. This variant disrupts the p.Asp521 amino acid residue in BTK. Other variant(s) that disrupt this residue have been observed in individuals with BTK-related conditions (PMID: 8695804, 15821893), which suggests that this may be a clinically significant amino acid residue. Advanced modeling of protein sequence and biophysical properties (such as structural, functional, and spatial information, amino acid conservation, physicochemical variation, residue mobility, and thermodynamic stability) performed at Invitae indicates that this missense variant is expected to disrupt BTK protein function. This variant has been observed in individual(s) with X-linked agammaglobulinemia (PMID: 26931785). This variant is not present in population databases (ExAC no frequency).

Literature cited by the submitters: PubMed 8695804; PubMed 15821893; PubMed 26931785.

NM_000061.3(BTK):c.1563C>G (p.Asp521Glu)

Gene: BTK (Bruton tyrosine kinase; minus strand). Cytogenetic location: Xq22.1.
Variant type: single nucleotide variant.
Coding change: c.1563C>G on transcript NM_000061.3 (MANE Select); coding-DNA position 1563, C replaced by G.
Protein change: p.Asp521Glu; replaces aspartic acid 521 with glutamic acid.
Molecular consequence: missense variant. On other transcripts: intron variant (1).
Genome position (GRCh38, 1-based): chrX:101,356,055, G>C on the plus strand (C>G on the coding strand, the complement: BTK is on the minus strand). VCF-style: chrX-101356055-G-C. GRCh37 (hg19) VCF-style: chrX-100611043-G-C.
Other names: c.1665C>G, p.Asp555Glu (NM_001287344.2); c.1039-1361C>G (NM_001287345.2); short protein forms D555E, D521E.
Identifiers: ClinVar variation 1519488 (VCV001519488.8), dbSNP rs2147427209, ClinGen allele CA413922923.
Genomic context (GRCh38, chrX:101,356,055, plus strand): 5'-ACTGCTACTTCCACCCCATCAGCCCTTTGTCCTAGGCCAATCCTTCTAAGGTCCCACCAG[G>C]TCTCGGTGAAGGAACTGCTTTGACTCCAGGTATTCCATGGCTTCACAGACATCCTTGCAC-3'
Protein context (NP_000052.1, residues 511-531): YLESKQFLHR[Asp521Glu]LAARNCLVND